The following is an entry in ClinVar:

NM_020778.5(ALPK3):c.674G>A (p.Arg225Gln)

Gene: ALPK3 (alpha kinase 3; plus strand). Cytogenetic location: 15q25.3.
Variant type: single nucleotide variant.
Coding change: c.674G>A on transcript NM_020778.5 (MANE Select); coding-DNA position 674, G replaced by A.
Protein change: p.Arg225Gln; replaces arginine 225 with glutamine.
Molecular consequence: missense variant.
Genome position (GRCh38, 1-based): chr15:84,839,953, G>A. VCF-style: chr15-84839953-G-A. GRCh37 (hg19) VCF-style: chr15-85383184-G-A.
Other names: c.1280G>A (NM_020778.4); short protein forms R225Q.
Identifiers: ClinVar variation 4741281 (VCV004741281.2).

ClinVar aggregate classification (germline): Uncertain significance. Review status: criteria provided, multiple submitters, no conflicts (2 of 4 stars). 2 submissions from 2 submitters: Uncertain significance (2). Last evaluated 2026-08-31.

Conditions:
Cardiovascular phenotype. Identifiers: MedGen CN230736.

gnomAD v4.1: 2 of 1,613,376 alleles (0.00012%); highest among the groups gnomAD compares: Non-Finnish European, 0.00017%; no homozygotes.

Submissions (2):

Ambry Genetics
Classification: Uncertain significance for Cardiovascular phenotype. Last evaluated: 2026-08-31. Review status: criteria provided, single submitter. Criteria: Ambry Variant Classification Scheme 2023. Collection method: clinical testing. Allele origin: germline.
Comment: The p.R427Q variant (also known as c.1280G>A), located in coding exon 5 of the ALPK3 gene, results from a G to A substitution at nucleotide position 1280. The arginine at codon 427 is replaced by glutamine, an amino acid with highly similar properties. This amino acid position is conserved. In addition, the in silico prediction for this alteration is inconclusive. Based on the available evidence, the clinical significance of this variant remains unclear.

Labcorp Genetics (formerly Invitae), Labcorp
Classification: Uncertain significance. Last evaluated: 2025-06-27. Review status: criteria provided, single submitter. Criteria: Invitae Variant Classification Sherloc (09022015). Collection method: clinical testing. Allele origin: germline.
Comment: This sequence change replaces arginine, which is basic and polar, with glutamine, which is neutral and polar, at codon 427 of the ALPK3 protein (p.Arg427Gln). This variant is not present in population databases (gnomAD no frequency). This variant has not been reported in the literature in individuals affected with ALPK3-related conditions. Invitae Evidence Modeling of protein sequence and biophysical properties (such as structural, functional, and spatial information, amino acid conservation, physicochemical variation, residue mobility, and thermodynamic stability) indicates that this missense variant is expected to disrupt ALPK3 protein function with a positive predictive value of 80%. In summary, the available evidence is currently insufficient to determine the role of this variant in disease. Therefore, it has been classified as a Variant of Uncertain Significance.